The following is an entry in ClinVar:

ClinVar aggregate classification (germline): Pathogenic. Review status: criteria provided, single submitter (1 of 4 stars). 2 submissions from 2 submitters: Pathogenic (1). 1 of the submissions does not count toward it. Last evaluated 2024-01-08.

Conditions:
Vitamin K-dependent clotting factors, combined deficiency of, type 1. Also called: FACTORS II, VII, IX, AND X, COMBINED DEFICIENCY OF; FAMILIAL MULTIPLE COAGULATION FACTOR DEFICIENCY III; FMFD III; GLUTAMIC ACID, DEFICIENT GAMMA-CARBOXYLATION OF; MULTIPLE COAGULATION FACTOR DEFICIENCY III; VITAMIN K-DEPENDENT COAGULATION DEFECT. Identifiers: Orphanet 98434, MedGen C1848534, MONDO:0010187, OMIM 277450.

Submissions (2):

Labcorp Genetics (formerly Invitae), Labcorp
Classification: Pathogenic. Last evaluated: 2024-01-08. Review status: criteria provided, single submitter. Criteria: Invitae Variant Classification Sherloc (09022015). Collection method: clinical testing. Allele origin: germline.
Comment: This sequence change creates a premature translational stop signal (p.Gln663*) in the GGCX gene. It is expected to result in an absent or disrupted protein product. Loss-of-function variants in GGCX are known to be pathogenic (PMID: 17110937, 17327402, 24520408). This variant is not present in population databases (gnomAD no frequency). This variant has not been reported in the literature in individuals affected with GGCX-related conditions. ClinVar contains an entry for this variant (Variation ID: 992374). For these reasons, this variant has been classified as Pathogenic.

Bioscientia Institut fuer Medizinische Diagnostik GmbH, Sonic Healthcare
Classification: Likely pathogenic for Vitamin K-dependent clotting factors, combined deficiency of, type 1. Last evaluated: 2020-06-17. Review status: no assertion criteria provided. Collection method: clinical testing. Allele origin: germline. Affected: yes. Not counted in ClinVar's aggregate classification.

Literature cited by the submitters: PubMed 17110937 (cited by Labcorp Genetics (formerly Invitae), Labcorp); PubMed 17327402 (cited by Labcorp Genetics (formerly Invitae), Labcorp); PubMed 24520408 (cited by Labcorp Genetics (formerly Invitae), Labcorp).

NM_000821.7(GGCX):c.1987C>T (p.Gln663Ter)

Gene: GGCX (gamma-glutamyl carboxylase; minus strand). Cytogenetic location: 2p11.2.
Variant type: single nucleotide variant.
Coding change: c.1987C>T on transcript NM_000821.7 (MANE Select); coding-DNA position 1987, C replaced by T.
Protein change: p.Gln663Ter; replaces glutamine 663 with a stop codon.
Molecular consequence: nonsense.
Genome position (GRCh38, 1-based): chr2:85,550,652, G>A on the plus strand (C>T on the coding strand, the complement: GGCX is on the minus strand). VCF-style: chr2-85550652-G-A. GRCh37 (hg19) VCF-style: chr2-85777775-G-A.
Other names: c.1816C>T, p.Gln606Ter (NM_001142269.4); short protein forms Q606*, Q663*.
Identifiers: ClinVar variation 992374 (VCV000992374.5), dbSNP rs1691898752, ClinGen allele CA347482902.
Genomic context (GRCh38, chr2:85,550,652, plus strand): 5'-GGAAGAATCGCTCATGGAAAGGAGTATTTCGCCGGCGTTCAATCTCCTGGAGCCTTTGTT[G>A]GCGTCTAAGAAAGGTCTGAACCAGAGGTGTTGGCTCAGGGCCCCCTTTTACTTCCCCTTC-3'